The following is an entry in ClinVar:

NM_001854.4(COL11A1):c.4336C>T (p.Pro1446Ser)

Gene: COL11A1 (collagen type XI alpha 1 chain; minus strand). Cytogenetic location: 1p21.1.
Variant type: single nucleotide variant.
Coding change: c.4336C>T on transcript NM_001854.4 (MANE Select); coding-DNA position 4336, C replaced by T.
Protein change: p.Pro1446Ser; replaces proline 1446 with serine.
Molecular consequence: missense variant. On other transcripts: non-coding transcript variant (1).
Genome position (GRCh38, 1-based): chr1:102,890,471, G>A on the plus strand (C>T on the coding strand, the complement: COL11A1 is on the minus strand). VCF-style: chr1-102890471-G-A. GRCh37 (hg19) VCF-style: chr1-103356027-G-A.
Other names: c.4219C>T, p.Pro1407Ser (NM_001190709.2); c.4372C>T, p.Pro1458Ser (NM_080629.3); c.3988C>T, p.Pro1330Ser (NM_080630.4); c.4336C>T (NM_001854.3); short protein forms P1330S, P1446S, P1407S, P1458S.
Identifiers: ClinVar variation 1467889 (VCV001467889.10), dbSNP rs975763978, ClinGen allele CA28151888.
Genomic context (GRCh38, chr1:102,890,471, plus strand): 5'-AGCATATTCTTTTATTAATAACACATTCTTTTATTCTCACCTTTTCACCCTTGGAGCCAG[G>A]GTCACCTTTGAGACCAGGTAAGCCAGGAGGTCCCTAAATAATAACAAAAAAAAAACCCCA-3'
Protein context (NP_001845.3, residues 1436-1456): PPGLPGLKGD[Pro1446Ser]GSKGEKGHPG

ClinVar aggregate classification (germline): Uncertain significance. Review status: criteria provided, multiple submitters, no conflicts (2 of 4 stars). 3 submissions from 3 submitters: Uncertain significance (3). Last evaluated 2024-11-21.

Conditions:
Inborn genetic diseases. Identifiers: MedGen C0950123, MeSH D030342.

Allele frequency attached by ClinVar (database versions not stated): gnomAD 0.00002; TOPMed 0.00003.
gnomAD v4.1: 10 of 1,608,588 alleles (0.00062%); highest among the groups gnomAD compares: African/African-American, 0.004%; no homozygotes.

Submissions (3):

Ambry Genetics
Classification: Uncertain significance for Inborn genetic diseases. Last evaluated: 2024-11-21. Review status: criteria provided, single submitter. Criteria: Ambry Variant Classification Scheme 2023. Collection method: clinical testing. Allele origin: germline.

Labcorp Genetics (formerly Invitae), Labcorp
Classification: Uncertain significance. Last evaluated: 2024-06-11. Review status: criteria provided, single submitter. Criteria: Invitae Variant Classification Sherloc (09022015). Collection method: clinical testing. Allele origin: germline.
Comment: This sequence change replaces proline, which is neutral and non-polar, with serine, which is neutral and polar, at codon 1446 of the COL11A1 protein (p.Pro1446Ser). This variant is not present in population databases (gnomAD no frequency). This variant has not been reported in the literature in individuals affected with COL11A1-related conditions. ClinVar contains an entry for this variant (Variation ID: 1467889). Advanced modeling of protein sequence and biophysical properties (such as structural, functional, and spatial information, amino acid conservation, physicochemical variation, residue mobility, and thermodynamic stability) performed at Invitae indicates that this missense variant is not expected to disrupt COL11A1 protein function with a negative predictive value of 80%. In summary, the available evidence is currently insufficient to determine the role of this variant in disease. Therefore, it has been classified as a Variant of Uncertain Significance.

Blueprint Genetics
Classification: Uncertain significance. Last evaluated: 2022-05-11. Review status: criteria provided, single submitter. Criteria: ACMG Guidelines, 2015. Collection method: clinical testing. Allele origin: germline.